The following is an entry in ClinVar:

NM_001166108.2(PALLD):c.2176C>A (p.Pro726Thr)

Genes: CBR4 (carbonyl reductase 4; minus strand), PALLD (palladin, cytoskeletal associated protein; plus strand). Cytogenetic location: 4q32.3.
Variant type: single nucleotide variant.
Coding change: c.2176C>A on transcript NM_001166108.2 (MANE Select); coding-DNA position 2176, C replaced by A.
Protein change: p.Pro726Thr; replaces proline 726 with threonine.
Molecular consequence: missense variant.
Genome position (GRCh38, 1-based): chr4:168,894,654, C>A. VCF-style: chr4-168894654-C-A. GRCh37 (hg19) VCF-style: chr4-169815805-C-A.
Other names: c.1030C>A, p.Pro344Thr (NM_001166109.2); c.715C>A, p.Pro239Thr (NM_001166110.2); c.55C>A, p.Pro19Thr (NM_001367567.1, NM_001367568.1, NM_001367569.1 and 1 more transcripts); c.2176C>A, p.Pro726Thr (NM_016081.4); short protein forms P726T, P239T, P19T, P344T.
Identifiers: ClinVar variation 542939 (VCV000542939.11), dbSNP rs1553969553, ClinGen allele CA358797781.

ClinVar aggregate classification (germline): Uncertain significance. Review status: criteria provided, multiple submitters, no conflicts (2 of 4 stars). 2 submissions from 2 submitters: Uncertain significance (2). Last evaluated 2022-06-15.

Conditions:
Pancreatic adenocarcinoma. Identifiers: MedGen C0281361, MONDO:0006047, HP:0006725.

Allele frequency attached by ClinVar (database versions not stated): gnomAD 0.00001; TOPMed 0.00001; gnomAD exomes 0.00001.
gnomAD v4.1: 11 of 1,613,348 alleles (0.00068%); highest among the groups gnomAD compares: Non-Finnish European, 0.00093%; no homozygotes.

Submissions (2):

Ambry Genetics
Classification: Uncertain significance. Last evaluated: 2022-06-15. Review status: criteria provided, single submitter. Criteria: Ambry Variant Classification Scheme 2023. Collection method: clinical testing. Allele origin: germline.
Comment: The p.P726T variant (also known as c.2176C>A), located in coding exon 11 of the PALLD gene, results from a C to A substitution at nucleotide position 2176. The proline at codon 726 is replaced by threonine, an amino acid with highly similar properties. This amino acid position is conserved. In addition, this alteration is predicted to be tolerated by in silico analysis. Since supporting evidence is limited at this time, the clinical significance of this alteration remains unclear.

Labcorp Genetics (formerly Invitae), Labcorp
Classification: Uncertain significance for Pancreatic adenocarcinoma. Last evaluated: 2020-05-29. Review status: criteria provided, single submitter. Criteria: Invitae Variant Classification Sherloc (09022015). Collection method: clinical testing. Allele origin: germline.
Comment: In summary, the available evidence is currently insufficient to determine the role of this variant in disease. Therefore, it has been classified as a Variant of Uncertain Significance. Algorithms developed to predict the effect of missense changes on protein structure and function do not agree on the potential impact of this missense change (SIFT: "Deleterious"; PolyPhen-2: "Benign"; Align-GVGD: "Class C35"). This variant has not been reported in the literature in individuals with PALLD-related disease. This variant is not present in population databases (ExAC no frequency). This sequence change replaces proline with threonine at codon 239 of the PALLD protein (p.Pro239Thr). The proline residue is highly conserved and there is a small physicochemical difference between proline and threonine.